The following is an entry in ClinVar:

ClinVar aggregate classification (germline): Likely benign. Review status: criteria provided, single submitter (1 of 4 stars). 2 submissions from 2 submitters: Likely benign (1). 1 of the submissions does not count toward it. Last evaluated 2025-05-05.

Conditions:
ABCA4-related disorder. Also called: ABCA4-related condition; ABCA4-related disorders. Identifiers: MedGen CN239167.

Allele frequency attached by ClinVar (database versions not stated): TOPMed 0.00005.
gnomAD v4.1: 23 of 1,612,572 alleles (0.0014%); highest among the groups gnomAD compares: Admixed American, 0.038%; no homozygotes.

Submissions (2):

Labcorp Genetics (formerly Invitae), Labcorp
Classification: Likely benign. Last evaluated: 2025-05-05. Review status: criteria provided, single submitter. Criteria: Invitae Variant Classification Sherloc (09022015). Collection method: clinical testing. Allele origin: germline.

PreventionGenetics, part of Exact Sciences
Classification: Uncertain significance for ABCA4-related condition. Last evaluated: 2024-08-22. Review status: no assertion criteria provided. Collection method: clinical testing. Allele origin: germline. Not counted in ClinVar's aggregate classification.
Comment: The ABCA4 c.619G>C variant is predicted to result in the amino acid substitution p.Glu207Gln. To our knowledge, this variant has not been reported in the literature. An alternate substitution of this amino acid residue (p.Glu207Lys) has been reported in individuals with Stargardt disease (Testa et al. 2014. PubMed ID: 25097154; Table S1, Karali et al. 2022. PubMed ID: 36460718). This variant is reported in 0.048% of alleles in individuals of Latino descent in gnomAD. At this time, the clinical significance of this variant is uncertain due to the absence of conclusive functional and genetic evidence.

NM_000350.3(ABCA4):c.619G>C (p.Glu207Gln)

Gene: ABCA4 (ATP binding cassette subfamily A member 4; minus strand). Cytogenetic location: 1p22.1.
Variant type: single nucleotide variant.
Coding change: c.619G>C on transcript NM_000350.3 (MANE Select); coding-DNA position 619, G replaced by C.
Protein change: p.Glu207Gln; replaces glutamic acid 207 with glutamine.
Molecular consequence: missense variant.
Genome position (GRCh38, 1-based): chr1:94,098,943, C>G on the plus strand (G>C on the coding strand, the complement: ABCA4 is on the minus strand). VCF-style: chr1-94098943-C-G. GRCh37 (hg19) VCF-style: chr1-94564499-C-G.
Other names: c.619G>C (NM_000350.2); c.619G>C, p.Glu207Gln (NM_001425324.1); short protein forms E207Q.
Identifiers: ClinVar variation 1034847 (VCV001034847.7), dbSNP rs147807073, ClinGen allele CA958783.